The following is an entry in ClinVar:

ClinVar aggregate classification (germline): Uncertain significance (1 of 4 stars; one submission).

Allele frequency attached by ClinVar (database versions not stated): gnomAD exomes 0.00001 and 0.00003; ExAC 0.00005; TOPMed 0.00013; gnomAD 0.00014; ESP Exome Variant Server 0.00015; 1000 Genomes Project 0.00060; 1000 Genomes Project 30x 0.00078.
gnomAD v4.1: 33 of 1,612,974 alleles (0.002%); highest among the groups gnomAD compares: African/African-American, 0.039%; no homozygotes.

Submission:

Labcorp Genetics (formerly Invitae), Labcorp
Classification: Uncertain significance. Last evaluated: 2026-02-03. Review status: criteria provided, single submitter. Criteria: Invitae Variant Classification Sherloc (09022015). Collection method: clinical testing. Allele origin: germline.
Comment: This sequence change replaces isoleucine, which is neutral and non-polar, with valine, which is neutral and non-polar, at codon 297 of the CLTC protein (p.Ile297Val). This variant is present in population databases (rs141466492, gnomAD 0.05%). This variant has not been reported in the literature in individuals affected with CLTC-related conditions. ClinVar contains an entry for this variant (Variation ID: 1436319). Invitae Evidence Modeling of protein sequence and biophysical properties (such as structural, functional, and spatial information, amino acid conservation, physicochemical variation, residue mobility, and thermodynamic stability) indicates that this missense variant is not expected to disrupt CLTC protein function with a negative predictive value of 80%. In summary, the available evidence is currently insufficient to determine the role of this variant in disease. Therefore, it has been classified as a Variant of Uncertain Significance.

NM_004859.4(CLTC):c.877A>G (p.Ile293Val)

Gene: CLTC (clathrin heavy chain; plus strand). Cytogenetic location: 17q23.1.
Variant type: single nucleotide variant.
Coding change: c.877A>G on transcript NM_004859.4 (MANE Select); coding-DNA position 877, A replaced by G.
Protein change: p.Ile293Val; replaces isoleucine 293 with valine.
Molecular consequence: missense variant.
Genome position (GRCh38, 1-based): chr17:59,655,935, A>G. VCF-style: chr17-59655935-A-G. GRCh37 (hg19) VCF-style: chr17-57733296-A-G.
Other names: c.889A>G, p.Ile297Val (NM_001288653.2); short protein forms I293V, I297V.
Identifiers: ClinVar variation 1436319 (VCV001436319.9), dbSNP rs141466492, ClinGen allele CA8681132.